The following is an entry in ClinVar:

ClinVar aggregate classification (germline): Pathogenic. Review status: criteria provided, multiple submitters, no conflicts (2 of 4 stars). 2 submissions from 2 submitters: Pathogenic (2). Last evaluated 2026-01-07.

Conditions:
KMT2C-related NDD.

gnomAD v4.1: 2 of 1,613,948 alleles (0.00012%); highest among the groups gnomAD compares: Non-Finnish European, 0.000085%; no homozygotes.

Submissions (2):

GeneDx
Classification: Pathogenic. Last evaluated: 2026-01-07. Review status: criteria provided, single submitter. Criteria: GeneDx Variant Classification Process June 2021. Collection method: clinical testing. Allele origin: germline.
Comment: Nonsense variant predicted to result in protein truncation or nonsense mediated decay in a gene for which loss of function is a known mechanism of disease; This variant is associated with the following publications: (PMID: 39013459)

Laboratory of Genetics, Children's Clinical University Hospital Latvia
Classification: Pathogenic for KMT2C-related NDD. Review status: criteria provided, single submitter. Criteria: ACMG Guidelines, 2015. Collection method: research. Allele origin: de novo. Affected: yes.

Literature cited by the submitters: PubMed 39013459 (cited by Laboratory of Genetics, Children's Clinical University Hospital Latvia).

NM_170606.3(KMT2C):c.6196C>T (p.Arg2066Ter)

Gene: KMT2C (lysine methyltransferase 2C; minus strand). Cytogenetic location: 7q36.1.
Variant type: single nucleotide variant.
Coding change: c.6196C>T on transcript NM_170606.3 (MANE Select); coding-DNA position 6196, C replaced by T.
Protein change: p.Arg2066Ter; replaces arginine 2066 with a stop codon.
Molecular consequence: nonsense.
Genome position (GRCh38, 1-based): chr7:152,181,664, G>A on the plus strand (C>T on the coding strand, the complement: KMT2C is on the minus strand). VCF-style: chr7-152181664-G-A. GRCh37 (hg19) VCF-style: chr7-151878749-G-A.
Other names: c.6196C>T (NM_170606.2); short protein forms R2066*.
Identifiers: ClinVar variation 3236494 (VCV003236494.3).